The following is an entry in ClinVar:

ClinVar aggregate classification (germline): Uncertain significance (1 of 4 stars; one submission).

Conditions:
Shprintzen-Goldberg syndrome (SGS). Also called: Marfanoid disorder with craniosynostosis type 1; Marfanoid craniosynostosis syndrome; Shprintzen-Goldberg marfanoid syndrome; SHPRINTZEN-GOLDBERG CRANIOSYNOSTOSIS SYNDROME; CRANIOSYNOSTOSIS WITH ARACHNODACTYLY AND ABDOMINAL HERNIAS. Identifiers: Orphanet 2462, MedGen C1321551, MONDO:0008426, OMIM 182212.

Allele frequency attached by ClinVar (database versions not stated): TOPMed below 0.00001.

Submission:

Labcorp Genetics (formerly Invitae), Labcorp
Classification: Uncertain significance for Shprintzen-Goldberg syndrome. Last evaluated: 2022-04-07. Review status: criteria provided, single submitter. Criteria: Invitae Variant Classification Sherloc (09022015). Collection method: clinical testing. Allele origin: germline.
Comment: In summary, the available evidence is currently insufficient to determine the role of this variant in disease. Therefore, it has been classified as a Variant of Uncertain Significance. Advanced modeling of protein sequence and biophysical properties (such as structural, functional, and spatial information, amino acid conservation, physicochemical variation, residue mobility, and thermodynamic stability) performed at Invitae indicates that this missense variant is not expected to disrupt SKI protein function. This variant has not been reported in the literature in individuals affected with SKI-related conditions. This variant is not present in population databases (gnomAD no frequency). This sequence change replaces histidine, which is basic and polar, with arginine, which is basic and polar, at codon 676 of the SKI protein (p.His676Arg).

NM_003036.4(SKI):c.2027A>G (p.His676Arg)

Gene: SKI (SKI proto-oncogene; plus strand). Cytogenetic location: 1p36.32.
Variant type: single nucleotide variant.
Coding change: c.2027A>G on transcript NM_003036.4 (MANE Select); coding-DNA position 2027, A replaced by G.
Protein change: p.His676Arg; replaces histidine 676 with arginine.
Molecular consequence: missense variant.
Genome position (GRCh38, 1-based): chr1:2,306,605, A>G. VCF-style: chr1-2306605-A-G. GRCh37 (hg19) VCF-style: chr1-2238044-A-G.
Other names: short protein forms H676R.
Identifiers: ClinVar variation 2122451 (VCV002122451.4), dbSNP rs1640589857, ClinGen allele CA337959581.